The following is an entry in ClinVar:

NM_020338.4(ZMIZ1):c.2032G>A (p.Val678Met)

Gene: ZMIZ1 (zinc finger MIZ-type containing 1; plus strand). Cytogenetic location: 10q22.3.
Variant type: single nucleotide variant.
Coding change: c.2032G>A on transcript NM_020338.4 (MANE Select); coding-DNA position 2032, G replaced by A.
Protein change: p.Val678Met; replaces valine 678 with methionine.
Molecular consequence: missense variant.
Genome position (GRCh38, 1-based): chr10:79,302,119, G>A. VCF-style: chr10-79302119-G-A. GRCh37 (hg19) VCF-style: chr10-81061876-G-A.
Other names: short protein forms V678M.
Identifiers: ClinVar variation 2775956 (VCV002775956.3), dbSNP rs201135308, ClinGen allele CA377340387.
Genomic context (GRCh38, chr10:79,302,119, plus strand): 5'-GGTGTGGGGACAGTGCACAGGAACTGAGTGTCTCCTCTCTCCCCGCAGTCCCACCTCTTC[G>A]TGCTGCAGCTGGTACACCGGCCCTCCGTCCGCTCTGTGCTGCAAGGACTCCTCAAGAAGC-3'
Protein context (NP_065071.1, residues 668-688): VTACCCSHLF[Val678Met]LQLVHRPSVR

ClinVar aggregate classification (germline): Uncertain significance (1 of 4 stars; one submission).

gnomAD v4.1: 22 of 1,613,830 alleles (0.0014%); highest among the groups gnomAD compares: Non-Finnish European, 0.0018%; no homozygotes.

Submission:

Labcorp Genetics (formerly Invitae), Labcorp
Classification: Uncertain significance. Last evaluated: 2023-06-21. Review status: criteria provided, single submitter. Criteria: Invitae Variant Classification Sherloc (09022015). Collection method: clinical testing. Allele origin: germline.
Comment: This sequence change replaces valine, which is neutral and non-polar, with methionine, which is neutral and non-polar, at codon 678 of the ZMIZ1 protein (p.Val678Met). In summary, the available evidence is currently insufficient to determine the role of this variant in disease. Therefore, it has been classified as a Variant of Uncertain Significance. Advanced modeling of protein sequence and biophysical properties (such as structural, functional, and spatial information, amino acid conservation, physicochemical variation, residue mobility, and thermodynamic stability) performed at Invitae indicates that this missense variant is expected to disrupt ZMIZ1 protein function. This variant has not been reported in the literature in individuals affected with ZMIZ1-related conditions. This variant is present in population databases (no rsID available, gnomAD 0.0009%).